The following is an entry in ClinVar:

NM_024675.4(PALB2):c.1462A>C (p.Ser488Arg)

Gene: PALB2 (partner and localizer of BRCA2; minus strand). Cytogenetic location: 16p12.2.
Variant type: single nucleotide variant.
Coding change: c.1462A>C on transcript NM_024675.4 (MANE Select); coding-DNA position 1462, A replaced by C.
Protein change: p.Ser488Arg; replaces serine 488 with arginine.
Molecular consequence: missense variant.
Genome position (GRCh38, 1-based): chr16:23,635,084, T>G on the plus strand (A>C on the coding strand, the complement: PALB2 is on the minus strand). VCF-style: chr16-23635084-T-G. GRCh37 (hg19) VCF-style: chr16-23646405-T-G.
Other names: short protein forms S488R.
Identifiers: ClinVar variation 579708 (VCV000579708.11), dbSNP rs753124503, ClinGen allele CA395131190.

ClinVar aggregate classification (germline): Uncertain significance. Review status: criteria provided, multiple submitters, no conflicts (2 of 4 stars). 2 submissions from 2 submitters: Uncertain significance (2). Last evaluated 2023-02-18.

Conditions:
Familial cancer of breast. Also called: BREAST CANCER, FAMILIAL; hereditary breast carcinoma; Hereditary breast cancer. Identifiers: Orphanet 227535, MedGen C0346153, MONDO:0016419, OMIM 114480. Disease mechanism: loss of function.
Hereditary cancer-predisposing syndrome. Also called: Neoplastic Syndromes, Hereditary; Tumor predisposition; Hereditary neoplastic syndrome; Hereditary Cancer Syndrome. Identifiers: Orphanet 140162, MedGen C0027672, MeSH D009386, MONDO:0015356.

Submissions (2):

Ambry Genetics
Classification: Uncertain significance for Hereditary cancer-predisposing syndrome. Last evaluated: 2023-02-18. Review status: criteria provided, single submitter. Criteria: Ambry Variant Classification Scheme 2023. Collection method: clinical testing. Allele origin: germline.
Comment: The p.S488R variant (also known as c.1462A>C), located in coding exon 4 of the PALB2 gene, results from an A to C substitution at nucleotide position 1462. The serine at codon 488 is replaced by arginine, an amino acid with dissimilar properties. This amino acid position is conserved. In addition, this alteration is predicted to be tolerated by in silico analysis. Since supporting evidence is limited at this time, the clinical significance of this alteration remains unclear.

Labcorp Genetics (formerly Invitae), Labcorp
Classification: Uncertain significance for Familial cancer of breast. Last evaluated: 2022-07-17. Review status: criteria provided, single submitter. Criteria: Invitae Variant Classification Sherloc (09022015). Collection method: clinical testing. Allele origin: germline.
Comment: In summary, the available evidence is currently insufficient to determine the role of this variant in disease. Therefore, it has been classified as a Variant of Uncertain Significance. Algorithms developed to predict the effect of missense changes on protein structure and function output the following: SIFT: "Tolerated"; PolyPhen-2: "Benign"; Align-GVGD: "Class C0". The arginine amino acid residue is found in multiple mammalian species, which suggests that this missense change does not adversely affect protein function. ClinVar contains an entry for this variant (Variation ID: 579708). This variant has not been reported in the literature in individuals affected with PALB2-related conditions. This variant is not present in population databases (gnomAD no frequency). This sequence change replaces serine, which is neutral and polar, with arginine, which is basic and polar, at codon 488 of the PALB2 protein (p.Ser488Arg).